The following is an entry in ClinVar:

ClinVar aggregate classification (germline): Uncertain significance. Review status: criteria provided, multiple submitters, no conflicts (2 of 4 stars). 2 submissions from 2 submitters: Uncertain significance (2). Last evaluated 2025-10-06.

Allele frequency attached by ClinVar (database versions not stated): gnomAD exomes 0.00003.

Submissions (2):

Labcorp Genetics (formerly Invitae), Labcorp
Classification: Uncertain significance. Last evaluated: 2025-10-06. Review status: criteria provided, single submitter. Criteria: Invitae Variant Classification Sherloc (09022015). Collection method: clinical testing. Allele origin: germline.
Comment: This sequence change replaces methionine, which is neutral and non-polar, with isoleucine, which is neutral and non-polar, at codon 164 of the WNT3A protein (p.Met164Ile). This variant is present in population databases (no rsID available, gnomAD 0.003%). This variant has not been reported in the literature in individuals affected with WNT3A-related conditions. ClinVar contains an entry for this variant (Variation ID: 2970462). Invitae Evidence Modeling of protein sequence and biophysical properties (such as structural, functional, and spatial information, amino acid conservation, physicochemical variation, residue mobility, and thermodynamic stability) indicates that this missense variant is not expected to disrupt WNT3A protein function with a negative predictive value of 80%. In summary, the available evidence is currently insufficient to determine the role of this variant in disease. Therefore, it has been classified as a Variant of Uncertain Significance.

Ambry Genetics
Classification: Uncertain significance. Last evaluated: 2025-06-24. Review status: criteria provided, single submitter. Criteria: Ambry Variant Classification Scheme 2023. Collection method: clinical testing. Allele origin: germline.

NM_033131.4(WNT3A):c.492G>A (p.Met164Ile)

Gene: WNT3A (Wnt family member 3A; plus strand). Cytogenetic location: 1q42.13.
Variant type: single nucleotide variant.
Coding change: c.492G>A on transcript NM_033131.4 (MANE Select); coding-DNA position 492, G replaced by A.
Protein change: p.Met164Ile; replaces methionine 164 with isoleucine.
Molecular consequence: missense variant.
Genome position (GRCh38, 1-based): chr1:228,050,834, G>A. VCF-style: chr1-228050834-G-A. GRCh37 (hg19) VCF-style: chr1-228238535-G-A.
Other names: c.492G>A (NM_033131.3); short protein forms M164I.
Identifiers: ClinVar variation 2970462 (VCV002970462.4), dbSNP rs1003822634, ClinGen allele CA39147221.